The following is an entry in ClinVar:

NM_001144967.3(NEDD4L):c.692C>T (p.Ser231Leu)

Gene: NEDD4L (NEDD4 like E3 ubiquitin protein ligase; plus strand). Cytogenetic location: 18q21.31.
Variant type: single nucleotide variant.
Coding change: c.692C>T on transcript NM_001144967.3 (MANE Select); coding-DNA position 692, C replaced by T.
Protein change: p.Ser231Leu; replaces serine 231 with leucine.
Molecular consequence: missense variant.
Genome position (GRCh38, 1-based): chr18:58,329,006, C>T. VCF-style: chr18-58329006-C-T. GRCh37 (hg19) VCF-style: chr18-55996238-C-T.
Other names: c.329C>T, p.Ser110Leu (NM_001144964.1, NM_001144965.2, NM_001144966.3 and 2 more transcripts); c.668C>T, p.Ser223Leu (NM_001144968.2, NM_001144969.2); c.692C>T, p.Ser231Leu (NM_001243960.2, NM_015277.6); short protein forms S110L, S223L, S231L.
Identifiers: ClinVar variation 2723636 (VCV002723636.3), dbSNP rs758477675, ClinGen allele CA8975443.

ClinVar aggregate classification (germline): Uncertain significance (1 of 4 stars; one submission).

Allele frequency attached by ClinVar (database versions not stated): gnomAD 0.00001; TOPMed 0.00001; ExAC 0.00002.
gnomAD v4.1: 13 of 1,613,868 alleles (0.00081%); highest among the groups gnomAD compares: South Asian, 0.0044%; no homozygotes.

Submission:

Labcorp Genetics (formerly Invitae), Labcorp
Classification: Uncertain significance. Last evaluated: 2022-12-23. Review status: criteria provided, single submitter. Criteria: Invitae Variant Classification Sherloc (09022015). Collection method: clinical testing. Allele origin: germline.
Comment: This sequence change replaces serine, which is neutral and polar, with leucine, which is neutral and non-polar, at codon 231 of the NEDD4L protein (p.Ser231Leu). This variant is present in population databases (rs758477675, gnomAD 0.003%). This variant has not been reported in the literature in individuals affected with NEDD4L-related conditions. Advanced modeling of protein sequence and biophysical properties (such as structural, functional, and spatial information, amino acid conservation, physicochemical variation, residue mobility, and thermodynamic stability) performed at Invitae indicates that this missense variant is not expected to disrupt NEDD4L protein function. In summary, the available evidence is currently insufficient to determine the role of this variant in disease. Therefore, it has been classified as a Variant of Uncertain Significance.